The following is an entry in ClinVar:

ClinVar aggregate classification (germline): Uncertain significance (1 of 4 stars; one submission).

Conditions:
Developmental and epileptic encephalopathy, 1 (DEE1). Also called: X-linked infantile spasms; West's syndrome; Tonic spasms with clustering, arrest of psychomotor development and hypsarrhythmia on EEG; X-Linked Infantile Spasm Syndrome; OHTAHARA SYNDROME, X-LINKED; INFANTILE SPASM SYNDROME, X-LINKED 1. Identifiers: MedGen C3463992, MONDO:0010632, OMIM 308350. Disease mechanism: loss of function.
Intellectual disability, X-linked, with or without seizures, ARX-related. Also called: Mental retardation, X-linked 52; MENTAL RETARDATION, X-LINKED 29; MENTAL RETARDATION, X-LINKED 32; MENTAL RETARDATION, X-LINKED 33; MENTAL RETARDATION, X-LINKED 38; MENTAL RETARDATION, X-LINKED 43. Identifiers: Orphanet 777, MedGen C0796244, MONDO:0010317, OMIM 300419.

Submission:

Labcorp Genetics (formerly Invitae), Labcorp
Classification: Uncertain significance for Developmental and epileptic encephalopathy, 1; Intellectual disability, X-linked, with or without seizures, ARX-related. Last evaluated: 2024-10-17. Review status: criteria provided, single submitter. Criteria: Invitae Variant Classification Sherloc (09022015). Collection method: clinical testing. Allele origin: germline.
Comment: This sequence change replaces glycine, which is neutral and non-polar, with arginine, which is basic and polar, at codon 143 of the ARX protein (p.Gly143Arg). The frequency data for this variant in the population databases is considered unreliable, as metrics indicate insufficient coverage at this position in the gnomAD database. This variant has not been reported in the literature in individuals affected with ARX-related conditions. Invitae Evidence Modeling of protein sequence and biophysical properties (such as structural, functional, and spatial information, amino acid conservation, physicochemical variation, residue mobility, and thermodynamic stability) indicates that this missense variant is not expected to disrupt ARX protein function with a negative predictive value of 95%. In summary, the available evidence is currently insufficient to determine the role of this variant in disease. Therefore, it has been classified as a Variant of Uncertain Significance.

NM_139058.3(ARX):c.427G>A (p.Gly143Arg)

Genes: ARX (aristaless related homeobox; minus strand), LOC109610631 (aristaless related homeobox polyalanine expansion region; plus strand). Cytogenetic location: Xp21.3.
Variant type: single nucleotide variant.
Coding change: c.427G>A on transcript NM_139058.3 (MANE Select); coding-DNA position 427, G replaced by A.
Protein change: p.Gly143Arg; replaces glycine 143 with arginine.
Molecular consequence: missense variant.
Genome position (GRCh38, 1-based): chrX:25,013,568, C>T on the plus strand (G>A on the coding strand, the complement: ARX is on the minus strand). VCF-style: chrX-25013568-C-T. GRCh37 (hg19) VCF-style: chrX-25031685-C-T.
Other names: short protein forms G143R.
Identifiers: ClinVar variation 3749562 (VCV003749562.2).